The following is an entry in ClinVar:

ClinVar aggregate classification (germline): Benign (1 of 4 stars; one submission).

Conditions:
Majeed syndrome (MJDS). Also called: CHRONIC RECURRENT MULTIFOCAL OSTEOMYELITIS 1, WITH CONGENITAL DYSERYTHROPOIETIC ANEMIA, WITH OR WITHOUT NEUTROPHILIC DERMATOSIS; LPIN2-Related Majeed Syndrome. Identifiers: Orphanet 77297, MedGen C1864997, MONDO:0012316, OMIM 609628.

Allele frequency attached by ClinVar (database versions not stated): gnomAD 0.00180 and 0.00263; TOPMed 0.00354; 1000 Genomes Project 0.01058; 1000 Genomes Project 30x 0.01156.

Submission:

Illumina Laboratory Services, Illumina
Classification: Benign for Majeed syndrome. Last evaluated: 2018-01-13. Review status: criteria provided, single submitter. Criteria: ICSL Variant Classification Criteria 13 December 2019. Collection method: clinical testing. Allele origin: germline.
Comment: This variant was observed in the ICSL laboratory as part of a predisposition screen in an ostensibly healthy population. It had not been previously curated by ICSL or reported in the Human Gene Mutation Database (HGMD: prior to June 1st, 2018), and was therefore a candidate for classification through an automated scoring system. Utilizing variant allele frequency, disease prevalence and penetrance estimates, and inheritance mode, an automated score was calculated to assess if this variant is too frequent to cause the disease. Based on the score and internal cut-off values, a variant classified as benign is not then subjected to further curation. The score for this variant resulted in a classification of benign for this disease.

NM_001375808.2(LPIN2):c.*797T>G

Gene: LPIN2 (lipin 2; minus strand). Cytogenetic location: 18p11.31.
Variant type: single nucleotide variant.
Coding change: c.*797T>G on transcript NM_001375808.2 (MANE Select); 797 bases downstream of the stop codon, T replaced by G.
Molecular consequence: 3 prime UTR variant.
Genome position (GRCh38, 1-based): chr18:2,919,496, A>C on the plus strand (T>G on the coding strand, the complement: LPIN2 is on the minus strand). VCF-style: chr18-2919496-A-C. GRCh37 (hg19) VCF-style: chr18-2919494-A-C.
Other names: c.*797T>G (NM_001375809.1, NM_014646.2).
Identifiers: ClinVar variation 326605 (VCV000326605.5), dbSNP rs3810064, ClinGen allele CA10650677.